The following is an entry in ClinVar:

NM_000719.7(CACNA1C):c.98A>C (p.Asn33Thr)

Gene: CACNA1C (calcium voltage-gated channel subunit alpha1 C; plus strand). Cytogenetic location: 12p13.33.
Variant type: single nucleotide variant.
Coding change: c.98A>C on transcript NM_000719.7 (MANE Select); coding-DNA position 98, A replaced by C.
Protein change: p.Asn33Thr; replaces asparagine 33 with threonine.
Molecular consequence: missense variant.
Genome position (GRCh38, 1-based): chr12:2,115,272, A>C. VCF-style: chr12-2115272-A-C. GRCh37 (hg19) VCF-style: chr12-2224438-A-C.
Other names: c.98A>C, p.Asn33Thr (NM_001129827.2, NM_001129829.2, NM_001129830.3 and 19 more transcripts); short protein forms N33T.
Identifiers: ClinVar variation 2971587 (VCV002971587.3), dbSNP rs535608443, ClinGen allele CA383652932.

ClinVar aggregate classification (germline): Uncertain significance (1 of 4 stars; one submission).

Conditions:
Long QT syndrome (LQTS). Identifiers: MedGen C0023976, MeSH D008133, MONDO:0002442. Disease mechanism: loss of function. Inheritance: Various modes of inheritance.

Submission:

Labcorp Genetics (formerly Invitae), Labcorp
Classification: Uncertain significance for Long QT syndrome. Last evaluated: 2025-02-17. Review status: criteria provided, single submitter. Criteria: Invitae Variant Classification Sherloc (09022015). Collection method: clinical testing. Allele origin: germline.
Comment: This sequence change replaces asparagine, which is neutral and polar, with threonine, which is neutral and polar, at codon 33 of the CACNA1C protein (p.Asn33Thr). This variant is not present in population databases (gnomAD no frequency). This variant has not been reported in the literature in individuals affected with CACNA1C-related conditions. ClinVar contains an entry for this variant (Variation ID: 2971587). Invitae Evidence Modeling of protein sequence and biophysical properties (such as structural, functional, and spatial information, amino acid conservation, physicochemical variation, residue mobility, and thermodynamic stability) indicates that this missense variant is not expected to disrupt CACNA1C protein function with a negative predictive value of 95%. In summary, the available evidence is currently insufficient to determine the role of this variant in disease. Therefore, it has been classified as a Variant of Uncertain Significance.